The following is an entry in ClinVar:

NM_001363540.2(DOCK4):c.4131C>T (p.Pro1377=)

Gene: DOCK4 (dedicator of cytokinesis 4; minus strand). Cytogenetic location: 7q31.1.
Variant type: single nucleotide variant.
Coding change: c.4131C>T on transcript NM_001363540.2 (MANE Select); coding-DNA position 4131, C replaced by T.
Protein change: p.Pro1377=; no amino-acid change (proline 1377 retained).
Molecular consequence: synonymous variant.
Genome position (GRCh38, 1-based): chr7:111,760,212, G>A on the plus strand (C>T on the coding strand, the complement: DOCK4 is on the minus strand). VCF-style: chr7-111760212-G-A. GRCh37 (hg19) VCF-style: chr7-111400268-G-A.
Other names: c.4104C>T, p.Pro1368= (NM_014705.4).
Identifiers: ClinVar variation 5041317 (VCV005041317.1).

ClinVar aggregate classification (germline): Likely benign (1 of 4 stars; one submission).

gnomAD v4.1: 44 of 1,613,954 alleles (0.0027%); highest among the groups gnomAD compares: South Asian, 0.031%; no homozygotes.

Submission:

CeGaT Center for Human Genetics Tuebingen
Classification: Likely benign. Last evaluated: 2026-09-01. Review status: criteria provided, single submitter. Criteria: CeGaT Center For Human Genetics Tuebingen Variant Classification Criteria Version 2. Collection method: clinical testing. Allele origin: germline. Affected: yes. Observed: 1 variant allele.
Comment: DOCK4: BP4, BP7